The following is an entry in ClinVar:

ClinVar aggregate classification (germline): Uncertain significance. Review status: criteria provided, multiple submitters, no conflicts (2 of 4 stars). 2 submissions from 2 submitters: Uncertain significance (2). Last evaluated 2025-08-27.

Allele frequency attached by ClinVar (database versions not stated): gnomAD exomes 0.00001 and 0.00002; ExAC 0.00003; TOPMed 0.00007; gnomAD 0.00008 and 0.00011; ESP Exome Variant Server 0.00017.
gnomAD v4.1: 30 of 1,609,034 alleles (0.0019%); highest among the groups gnomAD compares: African/African-American, 0.017%; no homozygotes.

Submissions (2):

Ambry Genetics
Classification: Uncertain significance. Last evaluated: 2025-08-27. Review status: criteria provided, single submitter. Criteria: Ambry Variant Classification Scheme 2023. Collection method: clinical testing. Allele origin: germline.

Labcorp Genetics (formerly Invitae), Labcorp
Classification: Uncertain significance. Last evaluated: 2025-05-04. Review status: criteria provided, single submitter. Criteria: Invitae Variant Classification Sherloc (09022015). Collection method: clinical testing. Allele origin: germline.
Comment: This sequence change replaces arginine, which is basic and polar, with glutamine, which is neutral and polar, at codon 1166 of the TOP2B protein (p.Arg1166Gln). This variant is present in population databases (rs200043349, gnomAD 0.03%). This variant has not been reported in the literature in individuals affected with TOP2B-related conditions. ClinVar contains an entry for this variant (Variation ID: 1506516). An algorithm developed to predict the effect of missense changes on protein structure and function (PolyPhen-2) suggests that this variant is likely to be tolerated. In summary, the available evidence is currently insufficient to determine the role of this variant in disease. Therefore, it has been classified as a Variant of Uncertain Significance.

NM_001330700.2(TOP2B):c.3512G>A (p.Arg1171Gln)

Gene: TOP2B (DNA topoisomerase II beta; minus strand). Cytogenetic location: 3p24.2.
Variant type: single nucleotide variant.
Coding change: c.3512G>A on transcript NM_001330700.2 (MANE Select); coding-DNA position 3512, G replaced by A.
Protein change: p.Arg1171Gln; replaces arginine 1171 with glutamine.
Molecular consequence: missense variant.
Genome position (GRCh38, 1-based): chr3:25,615,284, C>T on the plus strand (G>A on the coding strand, the complement: TOP2B is on the minus strand). VCF-style: chr3-25615284-C-T. GRCh37 (hg19) VCF-style: chr3-25656775-C-T.
Other names: c.3497G>A (NM_001068.2); c.3497G>A, p.Arg1166Gln (NM_001068.3); short protein forms R1166Q, R1171Q.
Identifiers: ClinVar variation 1506516 (VCV001506516.7), dbSNP rs200043349, ClinGen allele CA2288291.